The following is an entry in ClinVar:

ClinVar aggregate classification (germline): Conflicting classifications of pathogenicity. Review status: criteria provided, conflicting classifications (1 of 4 stars). 5 submissions from 5 submitters: Uncertain significance (3); Likely benign (2). Last evaluated 2026-08-12.

Conditions:
Hereditary nonpolyposis colorectal neoplasms. Identifiers: MedGen C0009405, MeSH D003123.
Endometrial carcinoma. Also called: Endometrial carcinoma, somatic. Identifiers: MedGen C0476089, MONDO:0002447, OMIM 608089, HP:0012114.
Hereditary cancer-predisposing syndrome. Also called: Neoplastic Syndromes, Hereditary; Hereditary neoplastic syndrome; Hereditary Cancer Syndrome; Tumor predisposition. Identifiers: Orphanet 140162, MedGen C0027672, MeSH D009386, MONDO:0015356.

Allele frequency attached by ClinVar (database versions not stated): gnomAD exomes 0.00001; TOPMed 0.00001.
gnomAD v4.1: 9 of 1,552,124 alleles (0.00058%); highest among the groups gnomAD compares: South Asian, 0.0023%; no homozygotes.

Submissions (5):

Ambry Genetics
Classification: Likely benign for Hereditary cancer-predisposing syndrome. Last evaluated: 2026-08-12. Review status: criteria provided, single submitter. Criteria: Ambry Variant Classification Scheme 2023. Collection method: clinical testing. Allele origin: germline.

Labcorp Genetics (formerly Invitae), Labcorp
Classification: Likely benign for Hereditary nonpolyposis colorectal neoplasms. Last evaluated: 2026-01-26. Review status: criteria provided, single submitter. Criteria: Invitae Variant Classification Sherloc (09022015). Collection method: clinical testing. Allele origin: germline.

Color Diagnostics, LLC DBA Color Health
Classification: Uncertain significance for Hereditary cancer-predisposing syndrome. Last evaluated: 2024-03-11. Review status: criteria provided, single submitter. Criteria: ACMG Guidelines, 2015. Collection method: clinical testing. Allele origin: germline.
Comment: This missense variant replaces proline with arginine at codon 57 of the MSH6 protein. Computational prediction suggests that this variant may not impact protein structure and function (internally defined REVEL score threshold <= 0.5, PMID: 27666373). To our knowledge, functional studies have not been reported for this variant. This variant has not been reported in individuals affected with MSH6-related disorders in the literature. This variant has been identified in 1/154666 chromosomes in the general population by the Genome Aggregation Database (gnomAD). The available evidence is insufficient to determine the role of this variant in disease conclusively. Therefore, this variant is classified as a Variant of Uncertain Significance.

Baylor Genetics
Classification: Uncertain significance for Endometrial carcinoma. Last evaluated: 2024-02-05. Review status: criteria provided, single submitter. Criteria: ACMG Guidelines, 2015. Collection method: clinical testing. Allele origin: unknown.

GeneDx
Classification: Uncertain significance. Last evaluated: 2023-08-02. Review status: criteria provided, single submitter. Criteria: GeneDx Variant Classification Process June 2021. Collection method: clinical testing. Allele origin: germline. Affected: yes.
Comment: Not observed at significant frequency in large population cohorts (gnomAD); In silico analysis supports that this missense variant does not alter protein structure/function; Identified in individuals with personal and/or family history of breast, pancreatic, and other cancers (Tung et al., 2015; Abe et al., 2019); This variant is associated with the following publications: (PMID: 25186627, 30883245)

Literature cited by the submitters: PubMed 25186627 (cited by Ambry Genetics); PubMed 30883245 (cited by Ambry Genetics).

NM_000179.3(MSH6):c.170C>G (p.Pro57Arg)

Gene: MSH6 (mutS homolog 6; plus strand). Cytogenetic location: 2p16.3.
Variant type: single nucleotide variant.
Coding change: c.170C>G on transcript NM_000179.3 (MANE Select); coding-DNA position 170, C replaced by G.
Protein change: p.Pro57Arg; replaces proline 57 with arginine.
Molecular consequence: missense variant. On other transcripts: 5 prime UTR variant (1).
Genome position (GRCh38, 1-based): chr2:47,783,403, C>G. VCF-style: chr2-47783403-C-G. GRCh37 (hg19) VCF-style: chr2-48010542-C-G.
Other names: c.170C>G, p.Pro57Arg (NM_001281492.2); c.-567C>G (NM_001281493.2); short protein forms P57R.
Identifiers: ClinVar variation 455151 (VCV000455151.26), dbSNP rs1064793657, ClinGen allele CA346734993.